The following is an entry in ClinVar:

NM_001035.3(RYR2):c.100A>G (p.Lys34Glu)

Gene: RYR2 (ryanodine receptor 2; plus strand). Cytogenetic location: 1q43.
Variant type: single nucleotide variant.
Coding change: c.100A>G on transcript NM_001035.3 (MANE Select); coding-DNA position 100, A replaced by G.
Protein change: p.Lys34Glu; replaces lysine 34 with glutamic acid.
Molecular consequence: missense variant.
Genome position (GRCh38, 1-based): chr1:237,270,548, A>G. VCF-style: chr1-237270548-A-G. GRCh37 (hg19) VCF-style: chr1-237433848-A-G.
Other names: short protein forms K34E.
Identifiers: ClinVar variation 1041799 (VCV001041799.10), dbSNP rs876661385, ClinGen allele CA345654371.

ClinVar aggregate classification (germline): Uncertain significance (1 of 4 stars; one submission).

Conditions:
Catecholaminergic polymorphic ventricular tachycardia 1. Also called: VENTRICULAR TACHYCARDIA, CATECHOLAMINERGIC POLYMORPHIC, 1, WITH OR WITHOUT ATRIAL DYSFUNCTION AND/OR DILATED CARDIOMYOPATHY; VENTRICULAR TACHYCARDIA, STRESS-INDUCED POLYMORPHIC 1; RYR2-Related Catecholaminergic Polymorphic Ventricular Tachycardia. Identifiers: Orphanet 3286, MedGen C1631597, MONDO:0011484, OMIM 604772.

Submission:

Labcorp Genetics (formerly Invitae), Labcorp
Classification: Uncertain significance for Catecholaminergic polymorphic ventricular tachycardia 1. Last evaluated: 2020-05-24. Review status: criteria provided, single submitter. Criteria: Invitae Variant Classification Sherloc (09022015). Collection method: clinical testing. Allele origin: germline.
Comment: This variant is not present in population databases (ExAC no frequency). In summary, the available evidence is currently insufficient to determine the role of this variant in disease. Therefore, it has been classified as a Variant of Uncertain Significance. Algorithms developed to predict the effect of missense changes on protein structure and function are either unavailable or do not agree on the potential impact of this missense change (SIFT: "Deleterious"; PolyPhen-2: "Possibly Damaging"; Align-GVGD: "Class C0"). This variant has not been reported in the literature in individuals with RYR2-related conditions. This sequence change replaces lysine with glutamic acid at codon 34 of the RYR2 protein (p.Lys34Glu). The lysine residue is moderately conserved and there is a small physicochemical difference between lysine and glutamic acid.